The following is an entry in ClinVar:

ClinVar aggregate classification (germline): Uncertain significance (1 of 4 stars; one submission).

Conditions:
Dyskeratosis congenita. Identifiers: Orphanet 1775, MedGen C0265965, MONDO:0015780.

Allele frequency attached by ClinVar (database versions not stated): TOPMed below 0.00001; ExAC 0.00001.
gnomAD v4.1: 1 of 1,614,216 alleles (0.000062%); highest among the groups gnomAD compares: Admixed American, 0.0017%; no homozygotes.

Submission:

Labcorp Genetics (formerly Invitae), Labcorp
Classification: Uncertain significance for Dyskeratosis congenita. Last evaluated: 2022-12-20. Review status: criteria provided, single submitter. Criteria: Invitae Variant Classification Sherloc (09022015). Collection method: clinical testing. Allele origin: germline.
Comment: This variant is present in population databases (rs374776408, gnomAD 0.006%). This sequence change replaces proline, which is neutral and non-polar, with alanine, which is neutral and non-polar, at codon 430 of the TINF2 protein (p.Pro430Ala). This variant has not been reported in the literature in individuals affected with TINF2-related conditions. In summary, the available evidence is currently insufficient to determine the role of this variant in disease. Therefore, it has been classified as a Variant of Uncertain Significance. Algorithms developed to predict the effect of missense changes on protein structure and function are either unavailable or do not agree on the potential impact of this missense change (SIFT: "Tolerated"; PolyPhen-2: "Possibly Damaging"; Align-GVGD: "Class C0").

NM_001099274.3(TINF2):c.1288C>G (p.Pro430Ala)

Gene: TINF2 (TERF1 interacting nuclear factor 2; minus strand). Cytogenetic location: 14q12.
Variant type: single nucleotide variant.
Coding change: c.1288C>G on transcript NM_001099274.3 (MANE Select); coding-DNA position 1288, C replaced by G.
Protein change: p.Pro430Ala; replaces proline 430 with alanine.
Molecular consequence: missense variant. On other transcripts: 3 prime UTR variant (1).
Genome position (GRCh38, 1-based): chr14:24,239,865, G>C on the plus strand (C>G on the coding strand, the complement: TINF2 is on the minus strand). VCF-style: chr14-24239865-G-C. GRCh37 (hg19) VCF-style: chr14-24709071-G-C.
Other names: c.1183C>G, p.Pro395Ala (NM_001363668.2); c.*550C>G (NM_012461.3); short protein forms P395A, P430A.
Identifiers: ClinVar variation 2714377 (VCV002714377.3), dbSNP rs374776408, ClinGen allele CA7130424.